The following is an entry in ClinVar:

NM_000503.6(EYA1):c.1717A>G (p.Arg573Gly)

Gene: EYA1 (EYA transcriptional coactivator and phosphatase 1; minus strand). Cytogenetic location: 8q13.3.
Variant type: single nucleotide variant.
Coding change: c.1717A>G on transcript NM_000503.6 (MANE Select); coding-DNA position 1717, A replaced by G.
Protein change: p.Arg573Gly; replaces arginine 573 with glycine.
Molecular consequence: missense variant.
Genome position (GRCh38, 1-based): chr8:71,199,402, T>C on the plus strand (A>G on the coding strand, the complement: EYA1 is on the minus strand). VCF-style: chr8-71199402-T-C. GRCh37 (hg19) VCF-style: chr8-72111637-T-C.
Other names: c.1699A>G, p.Arg567Gly (NM_001288574.2, NM_172059.5); c.1351A>G, p.Arg451Gly (NM_001288575.2); c.1804A>G, p.Arg602Gly (NM_001370333.1); c.1717A>G, p.Arg573Gly (NM_001370334.1, NM_001370335.1, NM_172058.4); c.1696A>G, p.Arg566Gly (NM_001370336.1); c.1717A>G (NM_000503.4); short protein forms R566G, R567G, R602G, R451G, R573G.
Identifiers: ClinVar variation 1465771 (VCV001465771.10), dbSNP rs775343638, ClinGen allele CA4779373.

ClinVar aggregate classification (germline): Uncertain significance. Review status: criteria provided, multiple submitters, no conflicts (2 of 4 stars). 3 submissions from 3 submitters: Uncertain significance (3). Last evaluated 2025-08-13.

Conditions:
Branchiootic syndrome 1 (BOS1). Also called: BO SYNDROME 1; BRANCHIOOTIC DYSPLASIA. Identifiers: MedGen C1865143, MONDO:0011258, OMIM 602588.
Branchiootorenal syndrome 1. Also called: Branchio-Oto-Renal Syndrome 1. Identifiers: Orphanet 107, MedGen C4551702, MONDO:0007236, OMIM 113650.
Otofaciocervical syndrome 1 (OTFCS). Identifiers: MedGen C3714941, MONDO:0024532, OMIM 166780.
Inborn genetic diseases. Identifiers: MedGen C0950123, MeSH D030342.
Melnick-Fraser syndrome (BOR). Also called: Branchiootorenal syndrome; Branchio-oto-renal syndrome; Branchiootorenal Syndrome (BORS). Identifiers: Orphanet 107, MedGen C0265234, MONDO:0007029.

Allele frequency attached by ClinVar (database versions not stated): gnomAD exomes below 0.00001; TOPMed below 0.00001; ExAC 0.00001.
gnomAD v4.1: 2 of 1,612,912 alleles (0.00012%); highest among the groups gnomAD compares: Non-Finnish European, 0.00017%; no homozygotes.

Submissions (3):

Ambry Genetics
Classification: Uncertain significance for Inborn genetic diseases. Last evaluated: 2025-08-13. Review status: criteria provided, single submitter. Criteria: Ambry Variant Classification Scheme 2023. Collection method: clinical testing. Allele origin: germline.

Fulgent Genetics
Classification: Uncertain significance for Branchiootorenal syndrome 1; Otofaciocervical syndrome 1; Branchiootic syndrome 1. Last evaluated: 2024-06-17. Review status: criteria provided, single submitter. Criteria: ACMG Guidelines, 2015. Collection method: clinical testing. Allele origin: germline.

Labcorp Genetics (formerly Invitae), Labcorp
Classification: Uncertain significance for Melnick-Fraser syndrome. Last evaluated: 2021-04-01. Review status: criteria provided, single submitter. Criteria: Invitae Variant Classification Sherloc (09022015). Collection method: clinical testing. Allele origin: germline.
Comment: This variant has not been reported in the literature in individuals with EYA1-related conditions. This variant is present in population databases (rs775343638, ExAC 0.002%). This sequence change replaces arginine with glycine at codon 573 of the EYA1 protein (p.Arg573Gly). The arginine residue is highly conserved and there is a moderate physicochemical difference between arginine and glycine. Algorithms developed to predict the effect of missense changes on protein structure and function are either unavailable or do not agree on the potential impact of this missense change (SIFT: "Tolerated"; PolyPhen-2: "Probably Damaging"; Align-GVGD: "Class C0"). In summary, the available evidence is currently insufficient to determine the role of this variant in disease. Therefore, it has been classified as a Variant of Uncertain Significance.